The following is an entry in ClinVar:

ClinVar aggregate classification (germline): Pathogenic (1 of 4 stars; one submission).

Conditions:
MHC class II deficiency. Also called: BLS, TYPE II; Bare lymphocyte syndrome 2. Identifiers: Orphanet 572, MedGen C5447452, MONDO:0008855.

Submission:

Labcorp Genetics (formerly Invitae), Labcorp
Classification: Pathogenic for MHC class II deficiency. Last evaluated: 2021-11-17. Review status: criteria provided, single submitter. Criteria: Invitae Variant Classification Sherloc (09022015). Collection method: clinical testing. Allele origin: germline.
Comment: This sequence change creates a premature translational stop signal (p.Tyr463*) in the CIITA gene. It is expected to result in an absent or disrupted protein product. Loss-of-function variants in CIITA are known to be pathogenic (PMID: 8402893, 9099848, 26271388). This variant is not present in population databases (gnomAD no frequency). This variant has not been reported in the literature in individuals affected with CIITA-related conditions. For these reasons, this variant has been classified as Pathogenic.

Literature cited by the submitters: PubMed 8402893; PubMed 9099848; PubMed 26271388.

NM_000246.4(CIITA):c.1389T>G (p.Tyr463Ter)

Gene: CIITA (class II major histocompatibility complex transactivator; plus strand). Cytogenetic location: 16p13.13.
Variant type: single nucleotide variant.
Coding change: c.1389T>G on transcript NM_000246.4 (MANE Select); coding-DNA position 1389, T replaced by G.
Protein change: p.Tyr463Ter; replaces tyrosine 463 with a stop codon.
Molecular consequence: nonsense. On other transcripts: intron variant (1).
Genome position (GRCh38, 1-based): chr16:10,906,881, T>G. VCF-style: chr16-10906881-T-G. GRCh37 (hg19) VCF-style: chr16-11000738-T-G.
Other names: c.1392T>G, p.Tyr464Ter (NM_001286402.1, NM_001379332.1); c.1245T>G, p.Tyr415Ter (NM_001379330.1); c.1242T>G, p.Tyr414Ter (NM_001379331.1); c.1389T>G, p.Tyr463Ter (NM_001379333.1); c.1320T>G, p.Tyr440Ter (NM_001379334.1); c.859+2069T>G (NM_001286403.2); short protein forms Y415*, Y464*, Y440*, Y414*, Y463*.
Identifiers: ClinVar variation 1396255 (VCV001396255.6), dbSNP rs1306793050, ClinGen allele CA394730664.